The following is an entry in ClinVar:

NM_000814.6(GABRB3):c.328A>C (p.Asn110His)

Gene: GABRB3 (gamma-aminobutyric acid type A receptor subunit beta3; minus strand). Cytogenetic location: 15q12.
Variant type: single nucleotide variant.
Coding change: c.328A>C on transcript NM_000814.6 (MANE Select); coding-DNA position 328, A replaced by C.
Protein change: p.Asn110His; replaces asparagine 110 with histidine.
Molecular consequence: missense variant. On other transcripts: non-coding transcript variant (1).
Genome position (GRCh38, 1-based): chr15:26,621,447, T>G on the plus strand (A>C on the coding strand, the complement: GABRB3 is on the minus strand). VCF-style: chr15-26621447-T-G. GRCh37 (hg19) VCF-style: chr15-26866594-T-G.
Other names: c.73A>C, p.Asn25His (NM_001191320.2, NM_001278631.2); c.115A>C, p.Asn39His (NM_001191321.3); c.328A>C, p.Asn110His (NM_021912.5); short protein forms N25H, N110H, N39H.
Identifiers: ClinVar variation 4789623 (VCV004789623.1).
Genomic context (GRCh38, chr15:26,621,447, plus strand): 5'-ATGACTTTTTGTCATTTAAGAAATATGTGTCGGGCACCCATAGCTGGTCAGCCACTCGAT[T>G]GTCAAGCGTGAGGTTGAGAGGGATCCCAGAATAGGCGAGCCTTTTATCTCTCCAATATTG-3'
Protein context (NP_000805.1, residues 100-120): SGIPLNLTLD[Asn110His]RVADQLWVPD

ClinVar aggregate classification (germline): Uncertain significance (1 of 4 stars; one submission).

Conditions:
Epilepsy, childhood absence, susceptibility to, 1. Also called: Epilepsy, childhood absence 1. Identifiers: Orphanet 64280, MedGen C1838604, MONDO:0020759, OMIM 600131.
Epilepsy, childhood absence, susceptibility to, 5. Identifiers: Orphanet 64280, MedGen C2677087, MONDO:0012843, OMIM 612269.

gnomAD v4.1: 8 of 1,614,202 alleles (0.0005%); highest among the groups gnomAD compares: Non-Finnish European, 0.00068%; no homozygotes.

Submission:

Labcorp Genetics (formerly Invitae), Labcorp
Classification: Uncertain significance for Epilepsy, childhood absence, susceptibility to, 5; Epilepsy, childhood absence, susceptibility to, 1. Last evaluated: 2025-09-14. Review status: criteria provided, single submitter. Criteria: Invitae Variant Classification Sherloc (09022015). Collection method: clinical testing. Allele origin: germline.
Comment: This sequence change replaces asparagine, which is neutral and polar, with histidine, which is basic and polar, at codon 110 of the GABRB3 protein (p.Asn110His). This variant is not present in population databases (gnomAD no frequency). This variant has not been reported in the literature in individuals affected with GABRB3-related conditions. Invitae Evidence Modeling of protein sequence and biophysical properties (such as structural, functional, and spatial information, amino acid conservation, physicochemical variation, residue mobility, and thermodynamic stability) has been performed for this missense variant. However, the output from this modeling did not meet the statistical confidence thresholds required to predict the impact of this variant on GABRB3 protein function. This variant disrupts the p.Asn110 amino acid residue in GABRB3. Other variant(s) that disrupt this residue have been determined to be pathogenic (PMID: 23934111, 26950270). This suggests that this residue is clinically significant, and that variants that disrupt this residue are likely to be disease-causing. In summary, the available evidence is currently insufficient to determine the role of this variant in disease. Therefore, it has been classified as a Variant of Uncertain Significance.

Literature cited by the submitters: PubMed 23934111; PubMed 26950270.